The following is an entry in ClinVar:

ClinVar aggregate classification (germline): Pathogenic (1 of 4 stars; one submission).

Submission:

Labcorp Genetics (formerly Invitae), Labcorp
Classification: Pathogenic. Last evaluated: 2022-09-27. Review status: criteria provided, single submitter. Criteria: Invitae Variant Classification Sherloc (09022015). Collection method: clinical testing. Allele origin: germline.
Comment: This sequence change creates a premature translational stop signal (p.Ile509Leufs*18) in the C5 gene. It is expected to result in an absent or disrupted protein product. Loss-of-function variants in C5 are known to be pathogenic (PMID: 7730648, 19414197, 27026170). For these reasons, this variant has been classified as Pathogenic. This variant has not been reported in the literature in individuals affected with C5-related conditions. This variant is not present in population databases (gnomAD no frequency).

Literature cited by the submitters: PubMed 7730648; PubMed 19414197; PubMed 27026170.

NM_001735.3(C5):c.1525del (p.Ile509fs)

Gene: C5 (complement C5; minus strand). Cytogenetic location: 9q33.2.
Variant type: Deletion.
Coding change: c.1525del on transcript NM_001735.3 (MANE Select); coding-DNA position 1525, one base deleted (A; older notation c.1525delA).
Protein change: p.Ile509fs; shifts the reading frame from isoleucine 509.
Molecular consequence: frameshift variant.
Genome position (GRCh38, 1-based): chr9:121,017,834, T deleted on the plus strand (A on the coding strand, the reverse complement: C5 is on the minus strand); the first of 4 consecutive T bases (chr9:121,017,834-121,017,837); deleting any one gives the same sequence. VCF-style (leftmost placement, unchanged base first): chr9-121017833-AT-A. GRCh37 (hg19) VCF-style: chr9-123780111-AT-A.
Other names: c.1543del, p.Ile515fs (NM_001317163.2); c.1525del, p.Ile509fs (NM_001317164.2); short protein forms I509fs, I515fs.
Identifiers: ClinVar variation 2002442 (VCV002002442.4), dbSNP rs2540430178, ClinGen allele CA2580079504.